The following is an entry in ClinVar:

ClinVar aggregate classification (germline): Uncertain significance (1 of 4 stars; one submission).

Conditions:
ISL1-related disorder. Also called: ISL1-related condition.

Submission:

PreventionGenetics, part of Exact Sciences
Classification: Uncertain significance for ISL1-related condition. Last evaluated: 2025-02-04. Review status: criteria provided, single submitter. Criteria: ACMG Guidelines, 2015. Collection method: clinical testing. Allele origin: germline.
Comment: The ISL1 c.511C>T variant is predicted to result in the amino acid substitution p.Arg171Trp. To our knowledge, this variant has not been reported in the literature or in a large population database (gnomAD), indicating this variant is rare. At this time, the clinical significance of this variant is uncertain due to the absence of conclusive functional and genetic evidence.

NM_002202.3(ISL1):c.511C>T (p.Arg171Trp)

Gene: ISL1 (ISL LIM homeobox 1; plus strand). Cytogenetic location: 5q11.1.
Variant type: single nucleotide variant.
Coding change: c.511C>T on transcript NM_002202.3 (MANE Select); coding-DNA position 511, C replaced by T.
Protein change: p.Arg171Trp; replaces arginine 171 with tryptophan.
Molecular consequence: missense variant.
Genome position (GRCh38, 1-based): chr5:51,389,678, C>T. VCF-style: chr5-51389678-C-T. GRCh37 (hg19) VCF-style: chr5-50685512-C-T.
Other names: short protein forms R171W.
Identifiers: ClinVar variation 4998970 (VCV004998970.1).